The following is an entry in ClinVar:

ClinVar aggregate classification (germline): Likely benign. Review status: criteria provided, multiple submitters, no conflicts (2 of 4 stars). 2 submissions from 2 submitters: Likely benign (2). Last evaluated 2025-08-28.

Conditions:
DMD-related disorder. Also called: DMD-related condition.
Duchenne muscular dystrophy (DMD). Also called: Duchenne Muscular Dystrophy (DMD); MUSCULAR DYSTROPHY, PSEUDOHYPERTROPHIC PROGRESSIVE, DUCHENNE TYPE. Identifiers: Orphanet 98896, MedGen C0013264, MONDO:0010679, OMIM 310200.

Submissions (2):

PreventionGenetics, part of Exact Sciences
Classification: Likely benign for DMD-related condition. Last evaluated: 2025-08-28. Review status: criteria provided, single submitter. Criteria: ACMG Guidelines, 2015. Collection method: clinical testing. Allele origin: germline.
Comment: This variant is classified as likely benign based on ACMG/AMP sequence variant interpretation guidelines (Richards et al. 2015 PMID: 25741868, with internal and published modifications).

Labcorp Genetics (formerly Invitae), Labcorp
Classification: Likely benign for Duchenne muscular dystrophy. Last evaluated: 2023-04-08. Review status: criteria provided, single submitter. Criteria: Invitae Variant Classification Sherloc (09022015). Collection method: clinical testing. Allele origin: germline.

NM_004006.3(DMD):c.1905A>T (p.Ser635=)

Gene: DMD (dystrophin; minus strand). Cytogenetic location: Xp21.1.
Variant type: single nucleotide variant.
Coding change: c.1905A>T on transcript NM_004006.3 (MANE Select); coding-DNA position 1905, A replaced by T.
Protein change: p.Ser635=; no amino-acid change (serine 635 retained).
Molecular consequence: synonymous variant.
Genome position (GRCh38, 1-based): chrX:32,565,789, T>A on the plus strand (A>T on the coding strand, the complement: DMD is on the minus strand). VCF-style: chrX-32565789-T-A. GRCh37 (hg19) VCF-style: chrX-32583906-T-A.
Other names: c.1881A>T, p.Ser627= (NM_000109.4); c.1893A>T, p.Ser631= (NM_004009.3); c.1536A>T, p.Ser512= (NM_004010.3).
Identifiers: ClinVar variation 2853618 (VCV002853618.4), dbSNP rs1435406583, ClinGen allele CA515727661.
Genomic context (GRCh38, chrX:32,565,789, plus strand): 5'-GACTAAATTATCCCAACACCGGGCAAAGTTATCCAGCCATGCTTCCGTCTTCTGGGTCAC[T>A]GACTTATTCTTCAGTGTTGAAAGAAGATCTTGTTTGAGTGAATACAGTTTGCCCATGGAT-3'
Protein context (NP_003997.2, residues 625-645): QDLLSTLKNK[Ser635=]VTQKTEAWLD